The following is an entry in ClinVar:

ClinVar aggregate classification (germline): Uncertain significance. Review status: criteria provided, multiple submitters, no conflicts (2 of 4 stars). 2 submissions from 2 submitters: Uncertain significance (2). Last evaluated 2025-02-18.

Conditions:
Nephronophthisis-like nephropathy 1 (NPHPL1). Identifiers: Orphanet 655, MedGen C3150419, MONDO:0013163, OMIM 613159.
Inborn genetic diseases. Identifiers: MedGen C0950123, MeSH D030342.

gnomAD v4.1: 5 of 1,614,038 alleles (0.00031%); highest among the groups gnomAD compares: African/African-American, 0.0067%; no homozygotes.

Submissions (2):

Ambry Genetics
Classification: Uncertain significance for Inborn genetic diseases. Last evaluated: 2025-02-18. Review status: criteria provided, single submitter. Criteria: Ambry Variant Classification Scheme 2023. Collection method: clinical testing. Allele origin: germline.

Labcorp Genetics (formerly Invitae), Labcorp
Classification: Uncertain significance for Nephronophthisis-like nephropathy 1. Last evaluated: 2025-02-06. Review status: criteria provided, single submitter. Criteria: Invitae Variant Classification Sherloc (09022015). Collection method: clinical testing. Allele origin: germline.
Comment: This sequence change replaces asparagine, which is neutral and polar, with serine, which is neutral and polar, at codon 319 of the XPNPEP3 protein (p.Asn319Ser). This variant is present in population databases (rs774730568, gnomAD 0.007%). This variant has not been reported in the literature in individuals affected with XPNPEP3-related conditions. Invitae Evidence Modeling of protein sequence and biophysical properties (such as structural, functional, and spatial information, amino acid conservation, physicochemical variation, residue mobility, and thermodynamic stability) indicates that this missense variant is not expected to disrupt XPNPEP3 protein function with a negative predictive value of 80%. In summary, the available evidence is currently insufficient to determine the role of this variant in disease. Therefore, it has been classified as a Variant of Uncertain Significance.

NM_022098.4(XPNPEP3):c.956A>G (p.Asn319Ser)

Gene: XPNPEP3 (X-prolyl aminopeptidase 3; plus strand). Cytogenetic location: 22q13.2.
Variant type: single nucleotide variant.
Coding change: c.956A>G on transcript NM_022098.4 (MANE Select); coding-DNA position 956, A replaced by G.
Protein change: p.Asn319Ser; replaces asparagine 319 with serine.
Molecular consequence: missense variant.
Genome position (GRCh38, 1-based): chr22:40,909,222, A>G. VCF-style: chr22-40909222-A-G. GRCh37 (hg19) VCF-style: chr22-41305226-A-G.
Other names: short protein forms N319S.
Identifiers: ClinVar variation 3817779 (VCV003817779.2).